The following is an entry in ClinVar:

NM_000528.4(MAN2B1):c.2021G>A (p.Arg674His)

Gene: MAN2B1 (mannosidase alpha class 2B member 1; minus strand). Cytogenetic location: 19p13.13.
Variant type: single nucleotide variant.
Coding change: c.2021G>A on transcript NM_000528.4 (MANE Select); coding-DNA position 2021, G replaced by A.
Protein change: p.Arg674His; replaces arginine 674 with histidine.
Molecular consequence: missense variant.
Genome position (GRCh38, 1-based): chr19:12,652,178, C>T on the plus strand (G>A on the coding strand, the complement: MAN2B1 is on the minus strand). VCF-style: chr19-12652178-C-T. GRCh37 (hg19) VCF-style: chr19-12762992-C-T.
Other names: c.2018G>A, p.Arg673His (NM_001173498.2); short protein forms R673H, R674H.
Identifiers: ClinVar variation 2417918 (VCV002417918.3), dbSNP rs1376498384, ClinGen allele CA404243984.
Genomic context (GRCh38, chr19:12,652,178, plus strand): 5'-TCCCAACTGCCCACTCATCATTCCTAGTCCCTGACCTTCACCAGGTGGATCTGAGCCCAG[C>T]GGCTCACAGGCAGCGGTTTCTGTTGGTTGGGTCTGAAGATGTAGGCACCTGAGGCCTGGT-3'
Protein context (NP_000519.2, residues 664-684): PNQQKPLPVS[Arg674His]WAQIHLVKTP

ClinVar aggregate classification (germline): Uncertain significance (1 of 4 stars; one submission).

Conditions:
Deficiency of alpha-mannosidase (MANSA). Also called: Alpha-Mannosidosis; Mannosidosis, alpha-, types I and II; LYSOSOMAL ALPHA-D-MANNOSIDASE DEFICIENCY. Identifiers: Orphanet 61, MedGen C0024748, MONDO:0009561, OMIM 248500.

Allele frequency attached by ClinVar (database versions not stated): TOPMed below 0.00001; gnomAD 0.00001.

Submission:

Labcorp Genetics (formerly Invitae), Labcorp
Classification: Uncertain significance for Deficiency of alpha-mannosidase. Last evaluated: 2022-05-07. Review status: criteria provided, single submitter. Criteria: Invitae Variant Classification Sherloc (09022015). Collection method: clinical testing. Allele origin: germline.
Comment: This sequence change replaces arginine, which is basic and polar, with histidine, which is basic and polar, at codon 674 of the MAN2B1 protein (p.Arg674His). This variant is present in population databases (no rsID available, gnomAD 0.007%). This variant has not been reported in the literature in individuals affected with MAN2B1-related conditions. Algorithms developed to predict the effect of missense changes on protein structure and function output the following: SIFT: "Tolerated"; PolyPhen-2: "Benign"; Align-GVGD: "Class C0". The histidine amino acid residue is found in multiple mammalian species, which suggests that this missense change does not adversely affect protein function. In summary, the available evidence is currently insufficient to determine the role of this variant in disease. Therefore, it has been classified as a Variant of Uncertain Significance.